The following is an entry in ClinVar:

NM_033100.4(CDHR1):c.1041C>G (p.Asn347Lys)

Gene: CDHR1 (cadherin related family member 1; plus strand). Cytogenetic location: 10q23.1.
Variant type: single nucleotide variant.
Coding change: c.1041C>G on transcript NM_033100.4 (MANE Select); coding-DNA position 1041, C replaced by G.
Protein change: p.Asn347Lys; replaces asparagine 347 with lysine.
Molecular consequence: missense variant.
Genome position (GRCh38, 1-based): chr10:84,208,251, C>G. VCF-style: chr10-84208251-C-G. GRCh37 (hg19) VCF-style: chr10-85968007-C-G.
Other names: c.1041C>G, p.Asn347Lys (NM_001171971.3); short protein forms N347K.
Identifiers: ClinVar variation 961993 (VCV000961993.10), dbSNP rs369220747, ClinGen allele CA377374533.

ClinVar aggregate classification (germline): Uncertain significance (1 of 4 stars; one submission).

Submission:

Labcorp Genetics (formerly Invitae), Labcorp
Classification: Uncertain significance. Last evaluated: 2023-08-04. Review status: criteria provided, single submitter. Criteria: Invitae Variant Classification Sherloc (09022015). Collection method: clinical testing. Allele origin: germline.
Comment: In summary, the available evidence is currently insufficient to determine the role of this variant in disease. Therefore, it has been classified as a Variant of Uncertain Significance. Advanced modeling of protein sequence and biophysical properties (such as structural, functional, and spatial information, amino acid conservation, physicochemical variation, residue mobility, and thermodynamic stability) has been performed at Invitae for this missense variant, however the output from this modeling did not meet the statistical confidence thresholds required to predict the impact of this variant on CDHR1 protein function. ClinVar contains an entry for this variant (Variation ID: 961993). This variant has not been reported in the literature in individuals affected with CDHR1-related conditions. This variant is not present in population databases (gnomAD no frequency). This sequence change replaces asparagine, which is neutral and polar, with lysine, which is basic and polar, at codon 347 of the CDHR1 protein (p.Asn347Lys).